The following is an entry in ClinVar:

ClinVar aggregate classification (germline): Uncertain significance (1 of 4 stars; one submission).

Conditions:
Cardiovascular phenotype. Identifiers: MedGen CN230736.

gnomAD v4.1: 3 of 1,613,868 alleles (0.00019%); highest among the groups gnomAD compares: East Asian, 0.0067%; no homozygotes.

Submission:

Ambry Genetics
Classification: Uncertain significance for Cardiovascular phenotype. Last evaluated: 2026-02-13. Review status: criteria provided, single submitter. Criteria: Ambry Variant Classification Scheme 2023. Collection method: clinical testing. Allele origin: germline.
Comment: The p.Q2168K variant (also known as c.6502C>A), located in coding exon 27 of the AKAP9 gene, results from a C to A substitution at nucleotide position 6502. The glutamine at codon 2168 is replaced by lysine, an amino acid with similar properties. This amino acid position is conserved. In addition, this alteration is predicted to be tolerated by in silico analysis. Based on the available evidence, the clinical significance of this variant remains unclear.

NM_005751.5(AKAP9):c.6502C>A (p.Gln2168Lys)

Gene: AKAP9 (A-kinase anchoring protein 9; plus strand). Cytogenetic location: 7q21.2.
Variant type: single nucleotide variant.
Coding change: c.6502C>A on transcript NM_005751.5 (MANE Select); coding-DNA position 6502, C replaced by A.
Protein change: p.Gln2168Lys; replaces glutamine 2168 with lysine.
Molecular consequence: missense variant. On other transcripts: intron variant (1).
Genome position (GRCh38, 1-based): chr7:92,070,201, C>A. VCF-style: chr7-92070201-C-A. GRCh37 (hg19) VCF-style: chr7-91699515-C-A.
Other names: c.1147C>A, p.Gln383Lys (NM_001379277.1); c.6483+19C>A (NM_147185.3); short protein forms Q2168K, Q383K.
Identifiers: ClinVar variation 4845168 (VCV004845168.1).